The following is an entry in ClinVar:

NM_002067.5(GNA11):c.49G>T (p.Glu17Ter)

Gene: GNA11 (G protein subunit alpha 11; plus strand). Cytogenetic location: 19p13.3.
Variant type: single nucleotide variant.
Coding change: c.49G>T on transcript NM_002067.5 (MANE Select); coding-DNA position 49, G replaced by T.
Protein change: p.Glu17Ter; replaces glutamic acid 17 with a stop codon.
Molecular consequence: nonsense.
Genome position (GRCh38, 1-based): chr19:3,094,700, G>T. VCF-style: chr19-3094700-G-T. GRCh37 (hg19) VCF-style: chr19-3094698-G-T.
Other names: short protein forms E17*.
Identifiers: ClinVar variation 2084260 (VCV002084260.4), dbSNP rs2512078200, ClinGen allele CA403299488.

ClinVar aggregate classification (germline): Uncertain significance (1 of 4 stars; one submission).

Submission:

Labcorp Genetics (formerly Invitae), Labcorp
Classification: Uncertain significance. Last evaluated: 2022-08-31. Review status: criteria provided, single submitter. Criteria: Invitae Variant Classification Sherloc (09022015). Collection method: clinical testing. Allele origin: germline.
Comment: This sequence change creates a premature translational stop signal (p.Glu17*) in the GNA11 gene. It is expected to result in an absent or disrupted protein product. However, the current clinical and genetic evidence is not sufficient to establish whether loss-of-function variants in GNA11 cause disease. This variant is not present in population databases (gnomAD no frequency). This variant has not been reported in the literature in individuals affected with GNA11-related conditions. In summary, the available evidence is currently insufficient to determine the role of this variant in disease. Therefore, it has been classified as a Variant of Uncertain Significance.